The following is an entry in ClinVar:

NM_000047.3(ARSL):c.220G>A (p.Val74Met)

Gene: ARSL (arylsulfatase L; minus strand). Cytogenetic location: Xp22.33.
Variant type: single nucleotide variant.
Coding change: c.220G>A on transcript NM_000047.3 (MANE Select); coding-DNA position 220, G replaced by A.
Protein change: p.Val74Met; replaces valine 74 with methionine.
Molecular consequence: missense variant.
Genome position (GRCh38, 1-based): chrX:2,955,503, C>T on the plus strand (G>A on the coding strand, the complement: ARSL is on the minus strand). VCF-style: chrX-2955503-C-T. GRCh37 (hg19) VCF-style: chrX-2873544-C-T.
Other names: c.295G>A, p.Val99Met (NM_001282628.2, NM_001369080.1); c.58G>A, p.Val20Met (NM_001282631.2); c.247G>A, p.Val83Met (NM_001369079.1); short protein forms V83M, V99M, V20M, V74M.
Identifiers: ClinVar variation 772428 (VCV000772428.21), dbSNP rs150756612, ClinGen allele CA10338228.

ClinVar aggregate classification (germline): Benign. Review status: criteria provided, multiple submitters, no conflicts (2 of 4 stars). 4 submissions from 4 submitters: Benign (3). 1 of the submissions does not count toward it. Last evaluated 2025-11-04.

Conditions:
ARSL-related disorder. Also called: ARSL-related condition.
Chondrodysplasia punctata, brachytelephalangic, autosomal. Also called: BRACHYTELEPHALANGIC CHONDRODYSPLASIA PUNCTATA. Identifiers: MedGen C1844853, MONDO:0011238, OMIM 602497.

Allele frequency attached by ClinVar (database versions not stated): ESP Exome Variant Server 0.00019; gnomAD exomes 0.00101 and 0.00030; 1000 Genomes Project 30x 0.00187; TOPMed 0.00031; gnomAD 0.00028 and 0.00041; ExAC 0.00043; 1000 Genomes Project 0.00238.
gnomAD v4.1: 1,125 of 1,209,533 alleles (0.093%); highest among the groups gnomAD compares: East Asian, 3.1%; 18 homozygotes.

Submissions (4):

Labcorp Genetics (formerly Invitae), Labcorp
Classification: Benign for Chondrodysplasia punctata, brachytelephalangic, autosomal. Last evaluated: 2025-11-04. Review status: criteria provided, single submitter. Criteria: Invitae Variant Classification Sherloc (09022015). Collection method: clinical testing. Allele origin: germline.

ARUP Laboratories, Molecular Genetics and Genomics, ARUP Laboratories
Classification: Benign. Last evaluated: 2020-05-21. Review status: criteria provided, single submitter. Criteria: ARUP Molecular Germline Variant Investigation Process. Collection method: clinical testing. Allele origin: germline.

GeneDx
Classification: Benign. Last evaluated: 2020-04-13. Review status: criteria provided, single submitter. Criteria: GeneDx Variant Classification Process June 2021. Collection method: clinical testing. Allele origin: germline. Affected: yes.

PreventionGenetics, part of Exact Sciences
Classification: Likely benign for ARSL-related condition. Last evaluated: 2020-01-28. Review status: no assertion criteria provided. Collection method: clinical testing. Allele origin: germline. Not counted in ClinVar's aggregate classification.
Comment: This variant is classified as likely benign based on ACMG/AMP sequence variant interpretation guidelines (Richards et al. 2015 PMID: 25741868, with internal and published modifications).